The following is an entry in ClinVar:

NM_001378454.1(ALMS1):c.12317del (p.Lys4106fs)

Gene: ALMS1 (ALMS1 centrosome and basal body associated protein; plus strand). Cytogenetic location: 2p13.1.
Variant type: Deletion.
Coding change: c.12317del on transcript NM_001378454.1 (MANE Select); coding-DNA position 12317, one base deleted (A; older notation c.12317delA).
Protein change: p.Lys4106fs; shifts the reading frame from lysine 4106.
Molecular consequence: frameshift variant.
Genome position (GRCh38, 1-based): chr2:73,603,259, A deleted; the last of 2 consecutive A bases (chr2:73,603,258-73,603,259); deleting either gives the same sequence. VCF-style (leftmost placement, unchanged base first): chr2-73603257-GA-G. GRCh37 (hg19) VCF-style: chr2-73830384-GA-G.
Other names: c.12320del, p.Lys4107fs (NM_015120.4); c.12320delA (NM_015120.4); short protein forms K4107fs, K4106fs.
Identifiers: ClinVar variation 4997251 (VCV004997251.1).

ClinVar aggregate classification (germline): Likely pathogenic (1 of 4 stars; one submission).

Conditions:
ALMS1-related disorder. Also called: ALMS1-related condition.

Submission:

PreventionGenetics, part of Exact Sciences
Classification: Likely pathogenic for ALMS1-related condition. Last evaluated: 2025-07-10. Review status: criteria provided, single submitter. Criteria: ACMG Guidelines, 2015. Collection method: clinical testing. Allele origin: germline.
Comment: The ALMS1 c.12320delA variant is predicted to result in a frameshift and premature protein termination (p.Lys4107Serfs*8). To our knowledge, this variant has not been reported in the literature or in a large population database (gnomAD), indicating this variant is rare. Frameshift variants in ALMS1 are expected to be pathogenic. This variant is interpreted as likely pathogenic.